The following is an entry in ClinVar:

NM_007294.4(BRCA1):c.414dup (p.Gln139fs)

Gene: BRCA1 (BRCA1 DNA repair associated; minus strand). Cytogenetic location: 17q21.31.
Variant type: Duplication.
Coding change: c.414dup on transcript NM_007294.4 (MANE Select); coding-DNA position 414, one base duplicated (A; older notation c.414dupA).
Protein change: p.Gln139fs; shifts the reading frame from glutamine 139.
Molecular consequence: frameshift variant. On other transcripts: intron variant (2).
Genome position (GRCh38, 1-based): chr17:43,104,149, T duplicated on the plus strand (A on the coding strand, the reverse complement: BRCA1 is on the minus strand). VCF-style (leftmost placement, unchanged base first): chr17-43104148-G-GT. GRCh37 (hg19) VCF-style: chr17-41256165-G-GT.
Other names: c.414dup, p.Gln139fs (NM_001407627.1, NM_001407628.1, NM_001407629.1 and 164 more transcripts); c.204dup, p.Gln69fs (NM_001407571.1, NM_001407853.1, NM_001407879.1 and 58 more transcripts); c.405dup, p.Gln136fs (NM_001407646.1, NM_001407647.1, NM_001408408.1); c.336dup, p.Gln113fs (NM_001407653.1, NM_001407654.1, NM_001407655.1 and 21 more transcripts); c.273dup, p.Gln92fs (NM_001407692.1, NM_001407694.1, NM_001407695.1 and 99 more transcripts); c.33dup, p.Gln12fs (NM_001407959.1, NM_001407960.1, NM_001407962.1 and 4 more transcripts); c.282dup, p.Gln95fs (NM_001408451.1); c.-218-9289dup (NM_001407967.1, NM_001407966.1); short protein forms Q136fs, Q95fs, Q113fs, Q69fs, Q12fs, Q139fs, Q92fs.
Identifiers: ClinVar variation 3724891 (VCV003724891.2).

ClinVar aggregate classification (germline): Pathogenic (1 of 4 stars; one submission).

Conditions:
Hereditary breast ovarian cancer syndrome. Also called: Hereditary breast and ovarian cancer syndrome; Hereditary breast and/or ovarian cancer syndrome; Hereditary breast and ovarian cancer; Hereditary breast and ovarian cancer syndrome (HBOC); Breast and ovarian cancer; BRCA1- and BRCA2-Associated Hereditary Breast and Ovarian Cancer. Identifiers: Orphanet 145, MedGen C0677776, MeSH D061325, MONDO:0003582. Disease mechanism: loss of function.

Submission:

Labcorp Genetics (formerly Invitae), Labcorp
Classification: Pathogenic for Hereditary breast ovarian cancer syndrome. Last evaluated: 2024-11-09. Review status: criteria provided, single submitter. Criteria: Invitae Variant Classification Sherloc (09022015). Collection method: clinical testing. Allele origin: germline.
Comment: This sequence change creates a premature translational stop signal (p.Gln139Thrfs*3) in the BRCA1 gene. It is expected to result in an absent or disrupted protein product. Loss-of-function variants in BRCA1 are known to be pathogenic (PMID: 20104584). This variant is not present in population databases (gnomAD no frequency). This variant has not been reported in the literature in individuals affected with BRCA1-related conditions. For these reasons, this variant has been classified as Pathogenic.

Literature cited by the submitters: PubMed 20104584.